The following is an entry in ClinVar:

ClinVar aggregate classification (germline): Likely pathogenic. Review status: criteria provided, single submitter (1 of 4 stars). 2 submissions from 2 submitters: Likely pathogenic (1). 1 of the submissions does not count toward it. Last evaluated 2020-01-06.

Conditions:
Familial aortopathy. Identifiers: MedGen CN078214.
Marfan syndrome (MFS). Also called: Marfan syndrome type 1; Marfan syndrome, classic; Marfan's syndrome; FBN1-Related Marfan Syndrome; MARFAN SYNDROME, TYPE I. Identifiers: Orphanet 284963, Orphanet 558, MedGen C0024796, MONDO:0007947, OMIM 154700.

Submissions (2):

Women's Health and Genetics/Laboratory Corporation of America, LabCorp
Classification: Likely pathogenic for Familial aortopathy. Last evaluated: 2020-01-06. Review status: criteria provided, single submitter. Criteria: LabCorp Variant Classification Summary - May 2015. Collection method: clinical testing. Allele origin: germline.
Comment: Variant summary: FBN1 c.3915C>A (p.Cys1305X) results in a premature termination codon, predicted to cause a truncation of the encoded protein or absence of the protein due to nonsense mediated decay, which are commonly known mechanisms for disease. Truncations downstream of this position have been classified as pathogenic by our laboratory. The variant was absent in 251330 control chromosomes (gnomAD). To our knowledge, no occurrence of c.3915C>A in individuals affected with Aortopathy and no experimental evidence demonstrating its impact on protein function have been reported. One ClinVar submitter (evaluation after 2014) cites the variant as likely pathogenic. Based on the evidence outlined above, the variant was classified as likely pathogenic.

Center for Medical Genetics Ghent, University of Ghent
Classification: Likely pathogenic for Marfan syndrome. Last evaluated: 2017-11-07. Review status: no assertion criteria provided. Collection method: clinical testing. Allele origin: germline. Affected: yes. Not counted in ClinVar's aggregate classification.

NM_000138.5(FBN1):c.3915C>A (p.Cys1305Ter)

Gene: FBN1 (fibrillin 1; minus strand). Cytogenetic location: 15q21.1.
Variant type: single nucleotide variant.
Coding change: c.3915C>A on transcript NM_000138.5 (MANE Select); coding-DNA position 3915, C replaced by A.
Protein change: p.Cys1305Ter; replaces cysteine 1305 with a stop codon.
Molecular consequence: nonsense.
Genome position (GRCh38, 1-based): chr15:48,481,704, G>T on the plus strand (C>A on the coding strand, the complement: FBN1 is on the minus strand). VCF-style: chr15-48481704-G-T. GRCh37 (hg19) VCF-style: chr15-48773901-G-T.
Other names: short protein forms C1305*.
Identifiers: ClinVar variation 549193 (VCV000549193.2), dbSNP rs1555398152, ClinGen allele CA392322300.